The following is an entry in ClinVar:

ClinVar aggregate classification (germline): Uncertain significance (0 of 4 stars; one submission).

Allele frequency attached by ClinVar (database versions not stated): gnomAD exomes below 0.00001; TOPMed below 0.00001; gnomAD 0.00001.
gnomAD v4.1: 1 of 1,601,354 alleles (0.000062%); highest among the groups gnomAD compares: African/African-American, 0.0013%; no homozygotes.

Submission:

Richard Lifton Laboratory, Yale University School of Medicine
Classification: Uncertain significance. Review status: no assertion criteria provided. Collection method: not provided. Allele origin: somatic.
Comment: ZNF219
ClinVar note: Converted during submission from unknown to Uncertain significance.

NM_016423.3(ZNF219):c.60C>T (p.Phe20=)

Gene: ZNF219 (zinc finger protein 219; minus strand). Cytogenetic location: 14q11.2.
Variant type: single nucleotide variant.
Coding change: c.60C>T on transcript NM_016423.3 (MANE Select); coding-DNA position 60, C replaced by T.
Protein change: p.Phe20=; no amino-acid change (phenylalanine 20 retained).
Molecular consequence: synonymous variant.
Genome position (GRCh38, 1-based): chr14:21,093,237, G>A on the plus strand (C>T on the coding strand, the complement: ZNF219 is on the minus strand). VCF-style: chr14-21093237-G-A. GRCh37 (hg19) VCF-style: chr14-21561396-G-A.
Other names: c.60C>T, p.Phe20= (NM_001101672.2, NM_001102454.2).
Identifiers: ClinVar variation 91993 (VCV000091993.2), dbSNP rs386352384, ClinGen allele CA017078.